The following is an entry in ClinVar:

ClinVar aggregate classification (germline): Conflicting classifications of pathogenicity. Review status: criteria provided, conflicting classifications (1 of 4 stars). 10 submissions from 9 submitters: Uncertain significance (7); Benign (1); Likely benign (2). Last evaluated 2025-12-24.

Conditions:
Hereditary cancer-predisposing syndrome. Also called: Neoplastic Syndromes, Hereditary; Hereditary Cancer Syndrome; Tumor predisposition; Hereditary neoplastic syndrome. Identifiers: Orphanet 140162, MedGen C0027672, MeSH D009386, MONDO:0015356.
Cardiovascular phenotype. Identifiers: MedGen CN230736.
Juvenile myelomonocytic leukemia (JMML). Also called: LEUKEMIA, JUVENILE MYELOMONOCYTIC, SOMATIC. Identifiers: Orphanet 86834, MedGen C0349639, MONDO:0011908, OMIM 607785, HP:0012209.
Neurofibromatosis, familial spinal (FSNF). Identifiers: Orphanet 636, MedGen C1834235, MONDO:0008078, OMIM 162210. Disease mechanism: loss of function.
Neurofibromatosis-Noonan syndrome (NFNS). Also called: NEUROFIBROMATOSIS WITH NOONAN PHENOTYPE. Identifiers: Orphanet 638, MedGen C2931482, MONDO:0011035, OMIM 601321. Disease mechanism: loss of function.
Café-au-lait macules with pulmonary stenosis (WTSN). Also called: PULMONIC STENOSIS WITH CAFE-AU-LAIT SPOTS. Identifiers: MedGen C0553586, MONDO:0008672, OMIM 193520.
Neurofibromatosis, type 1 (NF1). Also called: VON RECKLINGHAUSEN DISEASE; Peripheral type neurofibromatosis; NEUROFIBROMATOSIS, TYPE I, SOMATIC; Neurofibromatosis, type I. Identifiers: Orphanet 636, MedGen C0027831, MONDO:0018975, OMIM 162200. Disease mechanism: loss of function.

Allele frequency attached by ClinVar (database versions not stated): gnomAD exomes below 0.00001; TOPMed 0.00002.
gnomAD v4.1: 19 of 1,608,056 alleles (0.0012%); highest among the groups gnomAD compares: Admixed American, 0.0017%; no homozygotes.

Submissions (10):

Labcorp Genetics (formerly Invitae), Labcorp
Classification: Benign for Neurofibromatosis, type 1. Last evaluated: 2025-12-24. Review status: criteria provided, single submitter. Criteria: Invitae Variant Classification Sherloc (09022015). Collection method: clinical testing. Allele origin: germline.

Blueprint Genetics
Classification: Uncertain significance. Last evaluated: 2024-11-19. Review status: criteria provided, single submitter. Criteria: ACMG Guidelines, 2015. Collection method: clinical testing. Allele origin: germline.

Quest Diagnostics Nichols Institute San Juan Capistrano
Classification: Uncertain significance. Last evaluated: 2024-09-04. Review status: criteria provided, single submitter. Criteria: Quest Diagnostics criteria. Collection method: clinical testing. Allele origin: unknown.
Comment: The NF1 c.241C>A (p.Leu81Ile) variant has been reported in the published literature in an individual undergoing hereditary cancer panel testing (PMID: 31159747 (2019)). The frequency of this variant in the general population, 0.000004 (1/250874 chromosomes (Genome Aggregation Database)), is uninformative in the assessment of its pathogenicity. Analysis of this variant using bioinformatics tools for the prediction of the effect of amino acid changes on protein structure and function yielded predictions that this variant is benign. Based on the available information, we are unable to determine the clinical significance of this variant.

Ambry Genetics
Classification: Likely benign for Cardiovascular phenotype; Hereditary cancer-predisposing syndrome. Last evaluated: 2021-11-12. Review status: criteria provided, single submitter. Criteria: Ambry Variant Classification Scheme 2023. Collection method: clinical testing. Allele origin: germline.

Sema4
Classification: Uncertain significance for Hereditary cancer-predisposing syndrome. Last evaluated: 2021-09-26. Review status: criteria provided, single submitter. Criteria: Sema4 Curation Guidelines. Collection method: curation. Allele origin: germline.
Comment: The NF1 c.241C>A (p.L81I) variant has been reported in two individuals with personal or family history of breast and/or ovarian cancer (PMID: 31159747). This variant was observed in 1/250874 chromosomes, according to the Genome Aggregation Database (PMID: 32461654). This variant has been reported in ClinVar (Variation ID: 142858). Functional studies have not been performed, and in silico predictions of the variant's effect on protein function are inconclusive. The overall evidence is insufficient to meet ACMG/AMP criteria for classifying it as benign or pathogenic. In summary, the clinical significance of this variant is currently uncertain.

Department of Pathology and Laboratory Medicine, Sinai Health System
Classification: Uncertain significance for Neurofibromatosis, type 1; Neurofibromatosis, familial spinal; Café-au-lait macules with pulmonary stenosis; Neurofibromatosis-Noonan syndrome; Juvenile myelomonocytic leukemia. Last evaluated: 2021-07-30. Review status: criteria provided, single submitter. Criteria: ACMG Guidelines, 2015. Collection method: research. Allele origin: germline.

GeneDx
Classification: Uncertain significance. Last evaluated: 2021-04-28. Review status: criteria provided, single submitter. Criteria: GeneDx Variant Classification Process June 2021. Collection method: clinical testing. Allele origin: germline. Affected: yes.
Comment: In silico analysis supports that this missense variant does not alter protein structure/function; Observed in individuals with a personal or family history of breast and/or ovarian cancer (Tsaousis 2019); This variant is associated with the following publications: (PMID: 31159747)

Genetic Services Laboratory, University of Chicago
Classification: Likely benign. Last evaluated: 2018-08-27. Review status: criteria provided, single submitter. Criteria: ACMG Guidelines, 2015. Collection method: clinical testing. Allele origin: germline. Affected: no.

GeneKor MSA
Classification: Uncertain significance for Hereditary cancer-predisposing syndrome. Last evaluated: 2018-08-01. Review status: criteria provided, single submitter. Criteria: ACMG Guidelines, 2015. Collection method: clinical testing. Allele origin: germline. Affected: yes.

Ambry Genetics
Classification: Uncertain significance for Hereditary cancer-predisposing syndrome. Last evaluated: 2015-06-17. Review status: criteria provided, single submitter. Criteria: Ambry Autosomal Dominant and X-Linked criteria (10/2015). Collection method: clinical testing. Allele origin: germline. Observed: 1 variant allele.
Comment: The p.L81I variant (also known as c.241C>A), located in coding exon 3 of the NF1 gene, results from a C to A substitution at nucleotide position 241. The leucine at codon 81 is replaced by isoleucine, an amino acid with highly similar properties. This variant was not reported in population based cohorts in the following databases: Database of Single Nucleotide Polymorphisms (dbSNP), NHLBI Exome Sequencing Project (ESP), and 1000 Genomes Project. In the ESP, this variant was not observed in 6501 samples (13002 alleles) with coverage at this position. To date, this alteration has been detected with an allele frequency of approximately 0.004% (greater than 55000 alleles tested) in our clinical cohort. Ã¢â‚¬â€¹This amino acid position is highly conserved in available vertebrate species. In addition, this alteration is predicted to be tolerated by in silico analysis.Since supporting evidence is limited at this time, the clinical significance of p.L81I remains unclear.Ã¢â‚¬â€¹

Literature cited by the submitters: PubMed 31159747 (cited by Quest Diagnostics Nichols Institute San Juan Capistrano and Sema4).

NM_001042492.3(NF1):c.241C>A (p.Leu81Ile)

Gene: NF1 (neurofibromin 1; plus strand). Cytogenetic location: 17q11.2.
Variant type: single nucleotide variant.
Coding change: c.241C>A on transcript NM_001042492.3 (MANE Select); coding-DNA position 241, C replaced by A.
Protein change: p.Leu81Ile; replaces leucine 81 with isoleucine.
Molecular consequence: missense variant.
Genome position (GRCh38, 1-based): chr17:31,159,046, C>A. VCF-style: chr17-31159046-C-A. GRCh37 (hg19) VCF-style: chr17-29486064-C-A.
Other names: c.241C>A, p.Leu81Ile (NM_000267.4, NM_001128147.3); short protein forms L81I.
Identifiers: ClinVar variation 142858 (VCV000142858.22), dbSNP rs587782772, ClinGen allele CA169597.